The following is an entry in ClinVar:

ClinVar aggregate classification (germline): Likely benign. Review status: criteria provided, single submitter (1 of 4 stars). 2 submissions from 2 submitters: Likely benign (1). 1 of the submissions does not count toward it. Last evaluated 2019-12-31.

Conditions:
SEMA3D-related disorder. Also called: SEMA3D-related condition.

Allele frequency attached by ClinVar (database versions not stated): 1000 Genomes Project 30x 0.00016; 1000 Genomes Project 0.00020.
gnomAD v4.1: 30 of 1,613,590 alleles (0.0019%); highest among the groups gnomAD compares: South Asian, 0.029%; no homozygotes.

Submissions (2):

Labcorp Genetics (formerly Invitae), Labcorp
Classification: Likely benign. Last evaluated: 2019-12-31. Review status: criteria provided, single submitter. Criteria: Invitae Variant Classification Sherloc (09022015). Collection method: clinical testing. Allele origin: germline.

PreventionGenetics, part of Exact Sciences
Classification: Likely benign for SEMA3D-related condition. Last evaluated: 2022-07-05. Review status: no assertion criteria provided. Collection method: clinical testing. Allele origin: germline. Not counted in ClinVar's aggregate classification.
Comment: This variant is classified as likely benign based on ACMG/AMP sequence variant interpretation guidelines (Richards et al. 2015 PMID: 25741868, with internal and published modifications).

NM_001384900.1(SEMA3D):c.924G>T (p.Leu308=)

Gene: SEMA3D (semaphorin 3D; minus strand). Cytogenetic location: 7q21.11.
Variant type: single nucleotide variant.
Coding change: c.924G>T on transcript NM_001384900.1 (MANE Select); coding-DNA position 924, G replaced by T.
Protein change: p.Leu308=; no amino-acid change (leucine 308 retained).
Molecular consequence: synonymous variant.
Genome position (GRCh38, 1-based): chr7:85,042,223, C>A on the plus strand (G>T on the coding strand, the complement: SEMA3D is on the minus strand). VCF-style: chr7-85042223-C-A. GRCh37 (hg19) VCF-style: chr7-84671539-C-A.
Other names: c.924G>T, p.Leu308= (NM_001384901.1, NM_001384902.1, NM_001384903.1 and 1 more transcripts).
Identifiers: ClinVar variation 719135 (VCV000719135.5), dbSNP rs545667383, ClinGen allele CA4323584.